The following is an entry in ClinVar:

ClinVar aggregate classification (germline): Conflicting classifications of pathogenicity. Review status: criteria provided, conflicting classifications (1 of 4 stars). 6 submissions from 6 submitters: Uncertain significance (5); Benign (1). Last evaluated 2026-04-17.

Conditions:
Pseudohypoaldosteronism type 2C (PHA2C). Also called: Pseudohypoaldosteronism Type IIC. Identifiers: Orphanet 757, Orphanet 88940, MedGen C1840391, MONDO:0013778, OMIM 614492.
WNK1-related disorder. Also called: WNK1-related condition.
Neuropathy, hereditary sensory and autonomic, type 2A (HSAN2A). Also called: MORVAN DISEASE; NEUROPATHY, CONGENITAL SENSORY; NEUROPATHY, HEREDITARY SENSORY RADICULAR, AUTOSOMAL RECESSIVE; NEUROPATHY, HEREDITARY SENSORY, TYPE IIA; NEUROPATHY, PROGRESSIVE SENSORY, OF CHILDREN; ACROOSTEOLYSIS, GIACCAI TYPE. Identifiers: Orphanet 970, MedGen C2752089, MONDO:0024309, OMIM 201300.

Allele frequency attached by ClinVar (database versions not stated): ExAC 0.00035; gnomAD exomes 0.00037 and 0.00066; gnomAD 0.00040 and 0.00043; TOPMed 0.00045; ESP Exome Variant Server 0.00069.
gnomAD v4.1: 1,016 of 1,613,338 alleles (0.063%); highest among the groups gnomAD compares: Non-Finnish European, 0.079%; 1 homozygote.

Submissions (6):

PreventionGenetics, part of Exact Sciences
Classification: Uncertain significance for WNK1-related condition. Last evaluated: 2026-04-17. Review status: criteria provided, single submitter. Criteria: ACMG Guidelines, 2015. Collection method: clinical testing. Allele origin: germline.
Comment: The WNK1 c.2468A>G variant is predicted to result in the amino acid substitution p.His823Arg. To our knowledge, this variant has not been reported in the literature. This variant is reported in 0.062% of alleles in individuals of European (non-Finnish) descent in gnomAD, which may be too frequent to be a primary cause of autosomal dominant disease. Although we suspect that this variant may be benign, at this time, the clinical significance of this variant is uncertain due to the absence of conclusive functional and genetic evidence.

ARUP Laboratories, Molecular Genetics and Genomics, ARUP Laboratories
Classification: Uncertain significance. Last evaluated: 2025-07-08. Review status: criteria provided, single submitter. Criteria: ARUP Molecular Germline Variant Investigation Process 2024. Collection method: clinical testing. Allele origin: germline.
Comment: The WNK1 variant c.2468A>G; p.His823Arg (rs56015776), also known as c.3613-1054A>G for transcript NM_001184985.1, is not reported in the medical literature but is reported in ClinVar (Variation ID: 310749). This variant is found in the general population with an overall allele frequency of 0.04% (100/282,366 alleles) in the Genome Aggregation Database (v2.1.1). Computational analyses predict that this variant is neutral (REVEL: 0.097). However, given the lack of clinical and functional data, the significance of the p.His823Arg variant is uncertain at this time.

Blueprint Genetics
Classification: Uncertain significance. Last evaluated: 2024-11-26. Review status: criteria provided, single submitter. Criteria: ACMG Guidelines, 2015. Collection method: clinical testing. Allele origin: germline.

Labcorp Genetics (formerly Invitae), Labcorp
Classification: Uncertain significance for Neuropathy, hereditary sensory and autonomic, type 2A; Pseudohypoaldosteronism type 2C. Last evaluated: 2024-02-23. Review status: criteria provided, single submitter. Criteria: Invitae Variant Classification Sherloc (09022015). Collection method: clinical testing. Allele origin: germline.
Comment: This sequence change replaces histidine, which is basic and polar, with arginine, which is basic and polar, at codon 823 of the WNK1 protein (p.His823Arg). This variant is present in population databases (rs56015776, gnomAD 0.06%). This variant has not been reported in the literature in individuals affected with WNK1-related conditions. ClinVar contains an entry for this variant (Variation ID: 310749). An algorithm developed to predict the effect of missense changes on protein structure and function (PolyPhen-2) suggests that this variant is likely to be disruptive. In summary, the available evidence is currently insufficient to determine the role of this variant in disease. Therefore, it has been classified as a Variant of Uncertain Significance.

Illumina Laboratory Services, Illumina
Classification: Benign for Pseudohypoaldosteronism type 2C. Last evaluated: 2018-01-13. Review status: criteria provided, single submitter. Criteria: ICSL Variant Classification Criteria 13 December 2019. Collection method: clinical testing. Allele origin: germline.
Comment: This variant was observed in the ICSL laboratory as part of a predisposition screen in an ostensibly healthy population. It had not been previously curated by ICSL or reported in the Human Gene Mutation Database (HGMD: prior to June 1st, 2018), and was therefore a candidate for classification through an automated scoring system. Utilizing variant allele frequency, disease prevalence and penetrance estimates, and inheritance mode, an automated score was calculated to assess if this variant is too frequent to cause the disease. Based on the score and internal cut-off values, a variant classified as benign is not then subjected to further curation. The score for this variant resulted in a classification of benign for this disease.

CeGaT Center for Human Genetics Tuebingen
Classification: Uncertain significance. Last evaluated: 2016-06-01. Review status: criteria provided, single submitter. Criteria: CeGaT Center For Human Genetics Tuebingen Variant Classification Criteria Version 2. Collection method: clinical testing. Allele origin: germline. Affected: yes. Observed: 1 variant allele.

NM_018979.4(WNK1):c.2468A>G (p.His823Arg)

Gene: WNK1 (WNK lysine deficient protein kinase 1; plus strand). Cytogenetic location: 12p13.33.
Variant type: single nucleotide variant.
Coding change: c.2468A>G on transcript NM_018979.4 (MANE Select); coding-DNA position 2468, A replaced by G.
Protein change: p.His823Arg; replaces histidine 823 with arginine.
Molecular consequence: missense variant. On other transcripts: intron variant (3).
Genome position (GRCh38, 1-based): chr12:879,667, A>G. VCF-style: chr12-879667-A-G. GRCh37 (hg19) VCF-style: chr12-988833-A-G.
Other names: c.3867+1306A>G (NM_213655.5); c.3613-1054A>G (NM_001184985.2); c.2370+1306A>G (NM_014823.3); short protein forms H823R.
Identifiers: ClinVar variation 310749 (VCV000310749.54), dbSNP rs56015776, ClinGen allele CA6382487.